The following is an entry in ClinVar:

ClinVar aggregate classification (germline): Uncertain significance (1 of 4 stars; one submission).

gnomAD v4.1: 1 of 1,613,284 alleles (0.000062%); highest among the groups gnomAD compares: Non-Finnish European, 0.000085%; no homozygotes.

Submission:

Labcorp Genetics (formerly Invitae), Labcorp
Classification: Uncertain significance. Last evaluated: 2022-08-23. Review status: criteria provided, single submitter. Criteria: Invitae Variant Classification Sherloc (09022015). Collection method: clinical testing. Allele origin: germline.
Comment: This sequence change replaces glutamine, which is neutral and polar, with glutamic acid, which is acidic and polar, at codon 1019 of the FAT4 protein (p.Gln1019Glu). This variant is not present in population databases (gnomAD no frequency). This variant has not been reported in the literature in individuals affected with FAT4-related conditions. ClinVar contains an entry for this variant (Variation ID: 1500441). Advanced modeling of protein sequence and biophysical properties (such as structural, functional, and spatial information, amino acid conservation, physicochemical variation, residue mobility, and thermodynamic stability) performed at Invitae indicates that this missense variant is not expected to disrupt FAT4 protein function. Algorithms developed to predict the effect of sequence changes on RNA splicing suggest that this variant may create or strengthen a splice site. In summary, the available evidence is currently insufficient to determine the role of this variant in disease. Therefore, it has been classified as a Variant of Uncertain Significance.

NM_001291303.3(FAT4):c.3055C>G (p.Gln1019Glu)

Gene: FAT4 (FAT atypical cadherin 4; plus strand). Cytogenetic location: 4q28.1.
Variant type: single nucleotide variant.
Coding change: c.3055C>G on transcript NM_001291303.3 (MANE Select); coding-DNA position 3055, C replaced by G.
Protein change: p.Gln1019Glu; replaces glutamine 1019 with glutamic acid.
Molecular consequence: missense variant.
Genome position (GRCh38, 1-based): chr4:125,319,466, C>G. VCF-style: chr4-125319466-C-G. GRCh37 (hg19) VCF-style: chr4-126240621-C-G.
Other names: c.3055C>G, p.Gln1019Glu (NM_001291285.3, NM_024582.6); short protein forms Q1019E.
Identifiers: ClinVar variation 1500441 (VCV001500441.8), dbSNP rs761032436, ClinGen allele CA358121671.